The following is an entry in ClinVar:

NM_012210.4(TRIM32):c.859G>T (p.Gly287Cys)

Genes: ASTN2 (astrotactin 2; minus strand), TRIM32 (tripartite motif containing 32; plus strand). Cytogenetic location: 9q33.1.
Variant type: single nucleotide variant.
Coding change: c.859G>T on transcript NM_012210.4 (MANE Select); coding-DNA position 859, G replaced by T.
Protein change: p.Gly287Cys; replaces glycine 287 with cysteine.
Molecular consequence: missense variant. On other transcripts: intron variant (3).
Genome position (GRCh38, 1-based): chr9:116,698,601, G>T. VCF-style: chr9-116698601-G-T. GRCh37 (hg19) VCF-style: chr9-119460880-G-T.
Other names: c.859G>T, p.Gly287Cys (NM_001099679.2, NM_001379048.1, NM_001379049.1 and 1 more transcripts); c.2653+27170C>A (NM_014010.5); c.2794+27170C>A (NM_001365069.1); c.2806+27170C>A (NM_001365068.1); short protein forms G287C.
Identifiers: ClinVar variation 3596364 (VCV003596364.3).

ClinVar aggregate classification (germline): Uncertain significance. Review status: criteria provided, multiple submitters, no conflicts (2 of 4 stars). 3 submissions from 3 submitters: Uncertain significance (3). Last evaluated 2026-06-24.

Conditions:
Sarcotubular myopathy (LGMDR8). Also called: Hutterite type of muscular dystrophy; Autosomal recessive limb-girdle muscular dystrophy type 2H; Limb-girdle muscular dystrophy, type 2H; MUSCULAR DYSTROPHY, LIMB-GIRDLE, AUTOSOMAL RECESSIVE 8. Identifiers: Orphanet 1878, MedGen C0270968, MONDO:0009683, OMIM 254110.
Bardet-Biedl syndrome 11 (BBS11). Identifiers: Orphanet 110, MedGen C1859569, MONDO:0014439, OMIM 615988.
TRIM32-related disorder. Also called: TRIM32-related condition.

gnomAD v4.1: 2 of 1,614,070 alleles (0.00012%); highest among the groups gnomAD compares: Admixed American, 0.0017%; no homozygotes.

Submissions (3):

PreventionGenetics, part of Exact Sciences
Classification: Uncertain significance for TRIM32-related condition. Last evaluated: 2026-06-24. Review status: criteria provided, single submitter. Criteria: ACMG Guidelines, 2015. Collection method: clinical testing. Allele origin: germline.
Comment: The TRIM32 c.859G>T variant is predicted to result in the amino acid substitution p.Gly287Cys. To our knowledge, this variant has not been reported in the literature. This variant is reported in 0.0046% of alleles in individuals of European (Finnish) descent in gnomAD. At this time, the clinical significance of this variant is uncertain due to the absence of conclusive functional and genetic evidence.

Blueprint Genetics
Classification: Uncertain significance. Last evaluated: 2024-06-14. Review status: criteria provided, single submitter. Criteria: ACMG Guidelines, 2015. Collection method: clinical testing. Allele origin: germline.

Fulgent Genetics
Classification: Uncertain significance for Sarcotubular myopathy; Bardet-Biedl syndrome 11. Last evaluated: 2024-01-20. Review status: criteria provided, single submitter. Criteria: ACMG Guidelines, 2015. Collection method: clinical testing. Allele origin: germline.